The following is an entry in ClinVar:

NM_015046.7(SETX):c.5998C>G (p.Gln2000Glu)

Gene: SETX (senataxin; minus strand). Cytogenetic location: 9q34.13.
Variant type: single nucleotide variant.
Coding change: c.5998C>G on transcript NM_015046.7 (MANE Select); coding-DNA position 5998, C replaced by G.
Protein change: p.Gln2000Glu; replaces glutamine 2000 with glutamic acid.
Molecular consequence: missense variant.
Genome position (GRCh38, 1-based): chr9:132,295,980, G>C on the plus strand (C>G on the coding strand, the complement: SETX is on the minus strand). VCF-style: chr9-132295980-G-C. GRCh37 (hg19) VCF-style: chr9-135171367-G-C.
Other names: c.5998C>G, p.Gln2000Glu (NM_001351527.2, NM_001351528.2); short protein forms Q2000E.
Identifiers: ClinVar variation 448339 (VCV000448339.21), dbSNP rs142917412, ClinGen allele CA5296854.

ClinVar aggregate classification (germline): Conflicting classifications of pathogenicity. Review status: criteria provided, conflicting classifications (1 of 4 stars). 7 submissions from 7 submitters: Uncertain significance (4); Likely benign (3). Last evaluated 2026-06-01.

Conditions:
Inborn genetic diseases. Identifiers: MedGen C0950123, MeSH D030342.
SETX-related disorder. Also called: SETX-related disorders; SETX-related condition. Identifiers: MedGen CN239403.
Amyotrophic lateral sclerosis type 4 (ALS4). Also called: NEURONOPATHY, DISTAL HEREDITARY MOTOR, WITH PYRAMIDAL FEATURES; AMYOTROPHIC LATERAL SCLEROSIS 4, JUVENILE. Identifiers: Orphanet 357043, MedGen C1865409, MONDO:0011223, OMIM 602433.
Spinocerebellar ataxia, autosomal recessive, with axonal neuropathy 2 (SCAN2). Also called: Ataxia-ocular apraxia-2; Ataxia with Oculomotor Apraxia; Ataxia with Oculomotor Apraxia Type 2; ATAXIA-OCULOMOTOR APRAXIA 2. Identifiers: Orphanet 64753, MedGen C1853761, MONDO:0018996, OMIM 606002.

Allele frequency attached by ClinVar (database versions not stated): ExAC 0.00017; gnomAD exomes 0.00023 and 0.00045; TOPMed 0.00025; gnomAD 0.00026 and 0.00027; ESP Exome Variant Server 0.00031; 1000 Genomes Project 0.00040; 1000 Genomes Project 30x 0.00047.
gnomAD v4.1: 703 of 1,614,170 alleles (0.044%); highest among the groups gnomAD compares: Non-Finnish European, 0.055%; no homozygotes.

Submissions (7):

CeGaT Center for Human Genetics Tuebingen
Classification: Uncertain significance. Last evaluated: 2026-06-01. Review status: criteria provided, single submitter. Criteria: CeGaT Center For Human Genetics Tuebingen Variant Classification Criteria Version 2. Collection method: clinical testing. Allele origin: germline. Affected: yes. Observed: 1 variant allele.
Comment: SETX: PM2

PreventionGenetics, part of Exact Sciences
Classification: Likely benign for SETX-related condition. Last evaluated: 2025-07-23. Review status: criteria provided, single submitter. Criteria: ACMG Guidelines, 2015. Collection method: clinical testing. Allele origin: germline.
Comment: This variant is classified as likely benign based on ACMG/AMP sequence variant interpretation guidelines (Richards et al. 2015 PMID: 25741868, with internal and published modifications).

Athena Diagnostics
Classification: Likely benign. Last evaluated: 2025-07-17. Review status: criteria provided, single submitter. Criteria: Athena Diagnostics Criteria. Collection method: clinical testing. Allele origin: unknown.
Comment: The frequency of this variant in the general population is higher than would generally be expected for pathogenic variants in this gene. This variant has been seen where an alternate explanation for disease was also identified.

Labcorp Genetics (formerly Invitae), Labcorp
Classification: Likely benign for Amyotrophic lateral sclerosis type 4; Spinocerebellar ataxia, autosomal recessive, with axonal neuropathy 2. Last evaluated: 2025-05-26. Review status: criteria provided, single submitter. Criteria: Invitae Variant Classification Sherloc (09022015). Collection method: clinical testing. Allele origin: germline.

Mayo Clinic Laboratories, Mayo Clinic
Classification: Uncertain significance. Last evaluated: 2025-05-19. Review status: criteria provided, single submitter. Criteria: ACMG Guidelines, 2015. Collection method: clinical testing. Allele origin: germline. Observed: 1 variant allele.
Comment: BP4

GeneDx
Classification: Uncertain significance. Last evaluated: 2024-12-16. Review status: criteria provided, single submitter. Criteria: GeneDx Variant Classification Process June 2021. Collection method: clinical testing. Allele origin: germline. Affected: yes.
Comment: Reported previously in an unaffected control sample used in a study of patients with sporadic ALS (PMID: 28642336); In silico analysis indicates that this missense variant does not alter protein structure/function; This variant is associated with the following publications: (PMID: 28642336, 25353622)

Ambry Genetics
Classification: Uncertain significance for Inborn genetic diseases. Last evaluated: 2023-06-05. Review status: criteria provided, single submitter. Criteria: Ambry Variant Classification Scheme 2023. Collection method: clinical testing. Allele origin: germline.
Comment: Unlikely to be causative of SETX-related juvenile amyotrophic lateral sclerosis (AD) Based on insufficient or conflicting evidence, the clinical significance of this alteration remains unclear.

Literature cited by the submitters: PubMed 25353622 (cited by Athena Diagnostics and Mayo Clinic Laboratories, Mayo Clinic).